The following is an entry in ClinVar:

ClinVar aggregate classification (germline): Benign/Likely benign. Review status: criteria provided, multiple submitters, no conflicts (2 of 4 stars). 4 submissions from 4 submitters: Benign (1); Likely benign (3). Last evaluated 2025-08-11.

Conditions:
Hereditary cancer-predisposing syndrome. Also called: Neoplastic Syndromes, Hereditary; Hereditary Cancer Syndrome; Tumor predisposition; Hereditary neoplastic syndrome. Identifiers: Orphanet 140162, MedGen C0027672, MeSH D009386, MONDO:0015356.
Familial cancer of breast. Also called: BREAST CANCER, FAMILIAL; Hereditary breast cancer; hereditary breast carcinoma. Identifiers: Orphanet 227535, MedGen C0346153, MONDO:0016419, OMIM 114480. Disease mechanism: loss of function.

Allele frequency attached by ClinVar (database versions not stated): gnomAD exomes below 0.00001.
gnomAD v4.1: 1 of 1,614,026 alleles (0.000062%); highest among the groups gnomAD compares: Non-Finnish European, 0.000085%; no homozygotes.

Submissions (4):

Ambry Genetics
Classification: Likely benign for Hereditary cancer-predisposing syndrome. Last evaluated: 2025-08-11. Review status: criteria provided, single submitter. Criteria: Ambry Variant Classification Scheme 2023. Collection method: clinical testing. Allele origin: germline.

Myriad Genetics, Inc.
Classification: Benign for Familial cancer of breast. Last evaluated: 2024-10-04. Review status: criteria provided, single submitter. Criteria: Myriad Autosomal Dominant, Autosomal Recessive and X-Linked Classification Criteria (2023). Collection method: clinical testing. Allele origin: unknown.
Comment: This variant is considered benign. This variant is a silent/synonymous amino acid change and it is not expected to impact splicing.

Labcorp Genetics (formerly Invitae), Labcorp
Classification: Likely benign for Familial cancer of breast. Last evaluated: 2023-04-19. Review status: criteria provided, single submitter. Criteria: Invitae Variant Classification Sherloc (09022015). Collection method: clinical testing. Allele origin: germline.

GeneDx
Classification: Likely benign. Last evaluated: 2017-10-26. Review status: criteria provided, single submitter. Criteria: GeneDx Variant Classification (06012015). Collection method: clinical testing. Allele origin: germline. Affected: yes.
Comment: This variant is considered likely benign or benign based on one or more of the following criteria: it is a conservative change, it occurs at a poorly conserved position in the protein, it is predicted to be benign by multiple in silico algorithms, and/or has population frequency not consistent with disease.

NM_007194.4(CHEK2):c.955C>T (p.Leu319=)

Gene: CHEK2 (checkpoint kinase 2; minus strand). Cytogenetic location: 22q12.1.
Variant type: single nucleotide variant.
Coding change: c.955C>T on transcript NM_007194.4 (MANE Select); coding-DNA position 955, C replaced by T.
Protein change: p.Leu319=; no amino-acid change (leucine 319 retained).
Molecular consequence: synonymous variant.
Genome position (GRCh38, 1-based): chr22:28,699,891, G>A on the plus strand (C>T on the coding strand, the complement: CHEK2 is on the minus strand). VCF-style: chr22-28699891-G-A. GRCh37 (hg19) VCF-style: chr22-29095879-G-A.
Other names: c.1084C>T, p.Leu362= (NM_001005735.3); c.292C>T, p.Leu98= (NM_001257387.3); c.754C>T, p.Leu252= (NM_001349956.3); c.955C>T, p.Leu319= (NM_145862.3).
Identifiers: ClinVar variation 392711 (VCV000392711.14), dbSNP rs1057524600, ClinGen allele CA16608145.